The following is an entry in ClinVar:

NM_000180.4(GUCY2D):c.1918T>C (p.Trp640Arg)

Gene: GUCY2D (guanylate cyclase 2D, retinal; plus strand). Cytogenetic location: 17p13.1.
Variant type: single nucleotide variant.
Coding change: c.1918T>C on transcript NM_000180.4 (MANE Select); coding-DNA position 1918, T replaced by C.
Protein change: p.Trp640Arg; replaces tryptophan 640 with arginine.
Molecular consequence: missense variant.
Genome position (GRCh38, 1-based): chr17:8,012,312, T>C. VCF-style: chr17-8012312-T-C. GRCh37 (hg19) VCF-style: chr17-7915630-T-C.
Other names: short protein forms W640R.
Identifiers: ClinVar variation 4536043 (VCV004536043.1).
Genomic context (GRCh38, chr17:8,012,312, plus strand): 5'-GAGCACTGCACGCGGGGCTCTCTTCAGGACCTCCTCGCTCAGAGAGAAATAAAGCTGGAC[T>C]GGATGTTCAAGTCCTCCCTCCTGCTGGACCTTATCAAGGTGTGTGTCTGGGGGTGGTGGG-3'
Protein context (NP_000171.1, residues 630-650): LLAQREIKLD[Trp640Arg]MFKSSLLLDL

ClinVar aggregate classification (germline): Likely pathogenic (1 of 4 stars; one submission).

Conditions:
Leber congenital amaurosis (LCA). Also called: Leber's amaurosis. Identifiers: Orphanet 65, MedGen C0339527, MeSH D057130, MONDO:0018998.

gnomAD v4.1: 2 of 1,612,958 alleles (0.00012%); highest among the groups gnomAD compares: South Asian, 0.0022%; no homozygotes.

Submission:

Women's Health and Genetics/Laboratory Corporation of America, LabCorp
Classification: Likely pathogenic for Leber congenital amaurosis. Last evaluated: 2025-09-23. Review status: criteria provided, single submitter. Criteria: LabCorp Variant Classification Summary - May 2015. Collection method: clinical testing. Allele origin: germline.
Comment: Variant summary: GUCY2D c.1918T>C (p.Trp640Arg) results in a non-conservative amino acid change in the encoded protein sequence. Algorithms developed to predict the effect of missense changes on protein structure and function are either unavailable or do not agree on the potential impact of this missense change. The variant allele was found at a frequency of 4e-06 in 251342 control chromosomes (gnomAD). c.1918T>C has been observed in individuals affected with Leber congenital amaurosis (Yohe_2020, Upadhyaya_2025). These data indicate that the variant is likely to be associated with disease. To our knowledge, no experimental evidence demonstrating an impact on protein function has been reported. The following publications have been ascertained in the context of this evaluation (PMID: 31816670, 39728598, 36648511). No submitters have cited clinical-significance assessments for this variant to ClinVar. Based on the evidence outlined above, the variant was classified as likely pathogenic.

Literature cited by the submitters: PubMed 31816670; PubMed 36648511; PubMed 39728598.